The following is an entry in ClinVar:

NM_003482.4(KMT2D):c.1305C>T (p.Asn435=)

Gene: KMT2D (lysine methyltransferase 2D; minus strand). Cytogenetic location: 12q13.12.
Variant type: single nucleotide variant.
Coding change: c.1305C>T on transcript NM_003482.4 (MANE Select); coding-DNA position 1305, C replaced by T.
Protein change: p.Asn435=; no amino-acid change (asparagine 435 retained).
Molecular consequence: synonymous variant.
Genome position (GRCh38, 1-based): chr12:49,052,378, G>A on the plus strand (C>T on the coding strand, the complement: KMT2D is on the minus strand). VCF-style: chr12-49052378-G-A. GRCh37 (hg19) VCF-style: chr12-49446161-G-A.
Other names: c.1305C>T (NM_003482.3).
Identifiers: ClinVar variation 598614 (VCV000598614.9), dbSNP rs1296595611, ClinGen allele CA479715126.

ClinVar aggregate classification (germline): Conflicting classifications of pathogenicity. Review status: criteria provided, conflicting classifications (1 of 4 stars). 3 submissions from 3 submitters: Uncertain significance (1); Benign (1); Likely benign (1). Last evaluated 2026-04-20.

Conditions:
Kabuki syndrome. Also called: Kabuki make-up syndrome; NIIKAWA-KUROKI SYNDROME. Identifiers: Orphanet 2322, MedGen C0796004, MONDO:0016512.
KMT2D-related disorder. Also called: KMT2D-Related Disorders.

Allele frequency attached by ClinVar (database versions not stated): gnomAD exomes 0.00001; TOPMed 0.00004; gnomAD 0.00005 and 0.00006.
gnomAD v4.1: 17 of 1,541,420 alleles (0.0011%); highest among the groups gnomAD compares: African/African-American, 0.0096%; no homozygotes.

Submissions (3):

PreventionGenetics, part of Exact Sciences
Classification: Likely benign for KMT2D-related condition. Last evaluated: 2026-04-20. Review status: criteria provided, single submitter. Criteria: ACMG Guidelines, 2015. Collection method: clinical testing. Allele origin: germline.
Comment: This variant is classified as likely benign based on ACMG/AMP sequence variant interpretation guidelines (Richards et al. 2015 PMID: 25741868, with internal and published modifications).

Labcorp Genetics (formerly Invitae), Labcorp
Classification: Benign for Kabuki syndrome. Last evaluated: 2024-03-20. Review status: criteria provided, single submitter. Criteria: Invitae Variant Classification Sherloc (09022015). Collection method: clinical testing. Allele origin: germline.

Eurofins Ntd Llc (ga)
Classification: Uncertain significance. Last evaluated: 2018-09-06. Review status: criteria provided, single submitter. Criteria: EGL ClinVar v180209 classification definitions. Collection method: clinical testing. Allele origin: germline. Observed: 1 variant allele, 1 heterozygote.